The following is an entry in ClinVar:

ClinVar aggregate classification (germline): Uncertain significance (1 of 4 stars; one submission).

Conditions:
Inborn genetic diseases. Identifiers: MedGen C0950123, MeSH D030342.

Submission:

Ambry Genetics
Classification: Uncertain significance for Inborn genetic diseases. Last evaluated: 2025-02-03. Review status: criteria provided, single submitter. Criteria: Ambry Variant Classification Scheme 2023. Collection method: clinical testing. Allele origin: germline.
Comment: The p.A537V variant (also known as c.1610C>T), located in coding exon 17 of the FANCA gene, results from a C to T substitution at nucleotide position 1610. The alanine at codon 537 is replaced by valine, an amino acid with similar properties. This amino acid position is conserved. In addition, this alteration is predicted to be tolerated by in silico analysis. Based on the available evidence, the clinical significance of this variant remains unclear.

NM_000135.4(FANCA):c.1610C>T (p.Ala537Val)

Gene: FANCA (FA complementation group A; minus strand). Cytogenetic location: 16q24.3.
Variant type: single nucleotide variant.
Coding change: c.1610C>T on transcript NM_000135.4 (MANE Select); coding-DNA position 1610, C replaced by T.
Protein change: p.Ala537Val; replaces alanine 537 with valine.
Molecular consequence: missense variant.
Genome position (GRCh38, 1-based): chr16:89,782,875, G>A on the plus strand (C>T on the coding strand, the complement: FANCA is on the minus strand). VCF-style: chr16-89782875-G-A. GRCh37 (hg19) VCF-style: chr16-89849283-G-A.
Other names: c.1610C>T, p.Ala537Val (NM_001286167.3); short protein forms A537V.
Identifiers: ClinVar variation 3848176 (VCV003848176.1).